The following is an entry in ClinVar:

ClinVar aggregate classification (germline): Uncertain significance (1 of 4 stars; one submission).

Submission:

GeneDx
Classification: Uncertain significance. Last evaluated: 2019-10-24. Review status: criteria provided, single submitter. Criteria: GeneDx Variant Classification Process June 2021. Collection method: clinical testing. Allele origin: germline. Affected: yes.
Comment: Not observed in large population cohorts (Lek et al., 2016); Nonsense variant predicted to result in protein truncation in a gene for which loss-of-function is not a known mechanism of disease; Has not been previously published as pathogenic or benign to our knowledge; Variants in candidate genes are classified as variants of uncertain significance in accordance with ACMG guidelines (Richards et al., 2015)

NM_022841.7(RFX7):c.2927C>G (p.Ser976Ter)

Gene: RFX7 (regulatory factor X7; minus strand). Cytogenetic location: 15q21.3.
Variant type: single nucleotide variant.
Coding change: c.2927C>G on transcript NM_022841.7 (MANE Select); coding-DNA position 2927, C replaced by G.
Protein change: p.Ser976Ter; replaces serine 976 with a stop codon.
Molecular consequence: nonsense.
Genome position (GRCh38, 1-based): chr15:56,094,801, G>C on the plus strand (C>G on the coding strand, the complement: RFX7 is on the minus strand). VCF-style: chr15-56094801-G-C. GRCh37 (hg19) VCF-style: chr15-56386999-G-C.
Other names: c.2636C>G, p.Ser879Ter (NM_001368073.2, NM_001368074.1, NM_001370554.1); c.2927C>G, p.Ser976Ter (NM_001370561.1); short protein forms S879*, S976*.
Identifiers: ClinVar variation 1309460 (VCV001309460.2), dbSNP rs2140511922, ClinGen allele CA392578042.